The following is an entry in ClinVar:

NM_006361.6(HOXB13):c.165C>T (p.Gly55=)

Gene: HOXB13 (homeobox B13; minus strand). Cytogenetic location: 17q21.32.
Variant type: single nucleotide variant.
Coding change: c.165C>T on transcript NM_006361.6 (MANE Select); coding-DNA position 165, C replaced by T.
Protein change: p.Gly55=; no amino-acid change (glycine 55 retained).
Molecular consequence: synonymous variant.
Genome position (GRCh38, 1-based): chr17:48,728,429, G>A on the plus strand (C>T on the coding strand, the complement: HOXB13 is on the minus strand). VCF-style: chr17-48728429-G-A. GRCh37 (hg19) VCF-style: chr17-46805791-G-A.
Identifiers: ClinVar variation 690578 (VCV000690578.13), dbSNP rs1597934949, ClinGen allele CA500502684.
Genomic context (GRCh38, chr17:48,728,429, plus strand): 5'-TGGGGACGTCCCCTGGGGCACCCCAGGGCATGGGTGGCATTGCTTTGGCGGCTCCGCCGA[G>A]CCTGGCAGATCCAAGGGGGCATAGTTGACAGCAGGCATCAGCGTAGGCGCCGCTGGGTGG-3'
Protein context (NP_006352.2, residues 45-65): AVNYAPLDLP[Gly55=]SAEPPKQCHP

ClinVar aggregate classification (germline): Benign/Likely benign. Review status: criteria provided, multiple submitters, no conflicts (2 of 4 stars). 4 submissions from 4 submitters: Benign (1); Likely benign (2). 1 of the submissions does not count toward it. Last evaluated 2025-12-06.

Conditions:
Prostate cancer, hereditary, 9 (HPC9). Identifiers: Orphanet 1331, MedGen C1970250, MONDO:0012597, OMIM 610997.
Hereditary cancer-predisposing syndrome. Also called: Neoplastic Syndromes, Hereditary; Tumor predisposition; Hereditary neoplastic syndrome; Hereditary Cancer Syndrome. Identifiers: Orphanet 140162, MedGen C0027672, MeSH D009386, MONDO:0015356.
Prostate cancer, hereditary, 1 (HPC1). Identifiers: Orphanet 1331, MedGen C4722327, MONDO:0011098, OMIM 601518.

Allele frequency attached by ClinVar (database versions not stated): gnomAD exomes below 0.00001.

Submissions (4):

Labcorp Genetics (formerly Invitae), Labcorp
Classification: Likely benign. Last evaluated: 2025-12-06. Review status: criteria provided, single submitter. Criteria: Invitae Variant Classification Sherloc (09022015). Collection method: clinical testing. Allele origin: germline.

Myriad Genetics, Inc.
Classification: Benign for Prostate cancer, hereditary, 9. Last evaluated: 2024-10-29. Review status: criteria provided, single submitter. Criteria: Myriad Autosomal Dominant, Autosomal Recessive and X-Linked Classification Criteria (2023). Collection method: clinical testing. Allele origin: unknown.
Comment: This variant is considered benign. This variant is a silent/synonymous amino acid change and it is not expected to impact splicing.

Ambry Genetics
Classification: Likely benign for Hereditary cancer-predisposing syndrome. Last evaluated: 2019-09-12. Review status: criteria provided, single submitter. Criteria: Ambry Variant Classification Scheme 2023. Collection method: clinical testing. Allele origin: germline.

Laboratory of Virology, Microbiology,  Quality and Medical Biotechnologies, Faculty of Sciences and Techniques - Mohammedia, Hassan II University of Casablanca
Classification: Uncertain significance for Prostate cancer, hereditary, 1. Review status: no assertion criteria provided. Collection method: clinical testing. Allele origin: somatic. Affected: yes. Not counted in ClinVar's aggregate classification.